The following is an entry in ClinVar:

ClinVar aggregate classification (germline): Uncertain significance (1 of 4 stars; one submission).

Allele frequency attached by ClinVar (database versions not stated): gnomAD exomes below 0.00001; ExAC 0.00001; gnomAD 0.00001; TOPMed 0.00002.
gnomAD v4.1: 6 of 1,571,050 alleles (0.00038%); highest among the groups gnomAD compares: African/African-American, 0.0014%; no homozygotes.

Submission:

Labcorp Genetics (formerly Invitae), Labcorp
Classification: Uncertain significance. Last evaluated: 2022-08-21. Review status: criteria provided, single submitter. Criteria: Invitae Variant Classification Sherloc (09022015). Collection method: clinical testing. Allele origin: germline.
Comment: In summary, the available evidence is currently insufficient to determine the role of this variant in disease. Therefore, it has been classified as a Variant of Uncertain Significance. Algorithms developed to predict the effect of sequence changes on RNA splicing suggest that this variant may disrupt the consensus splice site. This variant has not been reported in the literature in individuals affected with RTTN-related conditions. This variant is present in population databases (rs769149132, gnomAD 0.0009%). This sequence change falls in intron 4 of the RTTN gene. It does not directly change the encoded amino acid sequence of the RTTN protein.

NM_173630.4(RTTN):c.487+7A>G

Gene: RTTN (rotatin; minus strand). Cytogenetic location: 18q22.2.
Variant type: single nucleotide variant.
Coding change: c.487+7A>G on transcript NM_173630.4 (MANE Select); 7 bases into the intron after coding-DNA position 487, A replaced by G.
Molecular consequence: intron variant.
Genome position (GRCh38, 1-based): chr18:70,201,887, T>C on the plus strand (A>G on the coding strand, the complement: RTTN is on the minus strand). VCF-style: chr18-70201887-T-C. GRCh37 (hg19) VCF-style: chr18-67869123-T-C.
Other names: c.-2067+7A>G (NM_001318520.2).
Identifiers: ClinVar variation 1897865 (VCV001897865.3), dbSNP rs769149132, ClinGen allele CA8996472.
Genomic context (GRCh38, chr18:70,201,887, plus strand): 5'-AACGAAAAAAGTACATTAATTTTCAACTTCCCAAGTCAACAGGATTTACTTCCCGACATA[T>C]ACACACCCACTGGTCGTGGCGGCACTTCCATCTGCTGGAAATTACTTTTGTCTTGGGGAA-3'